The following is an entry in ClinVar:

NM_014334.4(FRRS1L):c.246dup (p.Phe83fs)

Gene: FRRS1L (ferric chelate reductase 1 like; minus strand). Cytogenetic location: 9q31.3.
Variant type: Duplication.
Coding change: c.246dup on transcript NM_014334.4 (MANE Select); coding-DNA position 246, one base duplicated (C; older notation c.246dupC).
Protein change: p.Phe83fs; shifts the reading frame from phenylalanine 83.
Molecular consequence: frameshift variant.
Genome position (GRCh38, 1-based): chr9:109,149,713, G duplicated on the plus strand (C on the coding strand, the reverse complement: FRRS1L is on the minus strand); the first of 4 consecutive G bases (chr9:109,149,713-109,149,716); duplicating any one gives the same sequence. VCF-style (leftmost placement, unchanged base first): chr9-109149712-A-AG. GRCh37 (hg19) VCF-style: chr9-111911992-A-AG.
Other names: short protein forms F83fs.
Identifiers: ClinVar variation 1810245 (VCV001810245.3), dbSNP rs2538503118, ClinGen allele CA2580079401.
Genomic context (GRCh38, chr9:109,149,712, plus strand): 5'-TTTTTCCACAGTCGTCCACTTTGATTTTGGCAAATGGATCCACAGGAGGAGCAGTAGGGA[A>AG]GGGGTAACCTGGGCAGTGAGAATAAAGAAGGGTTAGAAAATCCAGTAACAACTGTTCCAA-3'

ClinVar aggregate classification (germline): Pathogenic/Likely pathogenic. Review status: criteria provided, multiple submitters, no conflicts (2 of 4 stars). 2 submissions from 2 submitters: Pathogenic (1); Likely pathogenic (1). Last evaluated 2024-11-21.

Conditions:
Developmental and epileptic encephalopathy, 37 (DEE37). Also called: Epileptic encephalopathy, early infantile, 37. Identifiers: MedGen C4310770, MONDO:0014859, OMIM 616981.

Submissions (2):

Victorian Clinical Genetics Services, Murdoch Childrens Research Institute
Classification: Pathogenic for Developmental and epileptic encephalopathy, 37. Last evaluated: 2024-11-21. Review status: criteria provided, single submitter. Criteria: ACMG Guidelines, 2015. Collection method: clinical testing. Allele origin: germline. Affected: yes.
Comment: This variant is classified as Pathogenic. Evidence in support of pathogenic classification: Variant is predicted to cause nonsense-mediated decay (NMD) and loss of protein (premature termination codon is located at least 54 nucleotides upstream of the final exon-exon junction); Variant is absent from gnomAD (v2, v3 and v4); This variant has limited previous evidence of pathogenicity in an unrelated individual(s). It has been classified once as likely pathogenic by a clinical laboratory (ClinVar); Other NMD-predicted variant(s) comparable to the one identified in this case have very strong previous evidence for pathogenicity (DECIPHER). Additional information: This variant is homozygous; This gene is associated with autosomal recessive disease; Loss of function is a known mechanism of disease in this gene and is associated with developmental and epileptic encephalopathy 37 (MIM#616981).

Dubai Health Genomic Medicine Center, Dubai Health
Classification: Likely pathogenic. Last evaluated: 2022-12-17. Review status: criteria provided, single submitter. Criteria: ACMG Guidelines, 2015. Collection method: clinical testing. Allele origin: germline. Affected: yes.